The following is an entry in ClinVar:

ClinVar aggregate classification (germline): Likely benign (1 of 4 stars; one submission).

Submission:

CeGaT Center for Human Genetics Tuebingen
Classification: Likely benign. Last evaluated: 2024-10-01. Review status: criteria provided, single submitter. Criteria: CeGaT Center For Human Genetics Tuebingen Variant Classification Criteria Version 2. Collection method: clinical testing. Allele origin: germline. Affected: yes. Observed: 1 variant allele.
Comment: ZNF28: PM2:Supporting, BP4, BP7

NM_006969.5(ZNF28):c.1602A>T (p.Thr534=)

Genes: ZNF28 (zinc finger protein 28; minus strand), ZNF600 (zinc finger protein 600; minus strand). Cytogenetic location: 19q13.41.
Variant type: single nucleotide variant.
Coding change: c.1602A>T on transcript NM_006969.5 (MANE Select); coding-DNA position 1602, A replaced by T.
Protein change: p.Thr534=; no amino-acid change (threonine 534 retained).
Molecular consequence: synonymous variant. On other transcripts: 3 prime UTR variant (2), non-coding transcript variant (1).
Genome position (GRCh38, 1-based): chr19:52,800,243, T>A on the plus strand (A>T on the coding strand, the complement: ZNF28 is on the minus strand). VCF-style: chr19-52800243-T-A. GRCh37 (hg19) VCF-style: chr19-53303496-T-A.
Other names: c.*1330A>T (NM_001369761.1, NM_001369766.1); c.1443A>T, p.Thr481= (NM_001369762.1); c.1593A>T, p.Thr531= (NM_001369763.1); c.1560A>T, p.Thr520= (NM_001369764.1); c.1494A>T, p.Thr498= (NM_001369765.1).
Identifiers: ClinVar variation 3388861 (VCV003388861.14).